The following is an entry in ClinVar:

ClinVar aggregate classification (germline): Uncertain significance (1 of 4 stars; one submission).

Conditions:
Charcot-Marie-Tooth disease axonal type 2V. Also called: CHARCOT-MARIE-TOOTH NEUROPATHY, TYPE 2V; CHARCOT-MARIE-TOOTH DISEASE, AXONAL, AUTOSOMAL DOMINANT, TYPE 2V. Identifiers: Orphanet 447964, MedGen C5569050, MONDO:0014665, OMIM 616491.
Mucopolysaccharidosis, MPS-III-B (MPS3B). Also called: N-ACETYL-ALPHA-D-GLUCOSAMINIDASE DEFICIENCY; NAGLU DEFICIENCY; SANFILIPPO SYNDROME B; MPS III B; MUCOPOLYSACCHARIDOSIS, TYPE IIIB; MPS IIIB (Sanfilippo Syndrome Type B). Identifiers: Orphanet 79270, MedGen C0086648, MONDO:0009656, OMIM 252920.

Submission:

Labcorp Genetics (formerly Invitae), Labcorp
Classification: Uncertain significance for Charcot-Marie-Tooth disease axonal type 2V; Mucopolysaccharidosis, MPS-III-B. Last evaluated: 2022-02-25. Review status: criteria provided, single submitter. Criteria: Invitae Variant Classification Sherloc (09022015). Collection method: clinical testing. Allele origin: germline.
Comment: In summary, the available evidence is currently insufficient to determine the role of this variant in disease. Therefore, it has been classified as a Variant of Uncertain Significance. Algorithms developed to predict the effect of sequence changes on RNA splicing suggest that this variant may create or strengthen a splice site. Algorithms developed to predict the effect of missense changes on protein structure and function are either unavailable or do not agree on the potential impact of this missense change (SIFT: "Tolerated"; PolyPhen-2: "Possibly Damaging"; Align-GVGD: "Class C0"). This variant has not been reported in the literature in individuals affected with NAGLU-related conditions. This variant is not present in population databases (gnomAD no frequency). This sequence change replaces arginine, which is basic and polar, with proline, which is neutral and non-polar, at codon 393 of the NAGLU protein (p.Arg393Pro).

NM_000263.4(NAGLU):c.1178G>C (p.Arg393Pro)

Gene: NAGLU (N-acetyl-alpha-glucosaminidase; plus strand). Cytogenetic location: 17q21.2.
Variant type: single nucleotide variant.
Coding change: c.1178G>C on transcript NM_000263.4 (MANE Select); coding-DNA position 1178, G replaced by C.
Protein change: p.Arg393Pro; replaces arginine 393 with proline.
Molecular consequence: missense variant.
Genome position (GRCh38, 1-based): chr17:42,543,184, G>C. VCF-style: chr17-42543184-G-C. GRCh37 (hg19) VCF-style: chr17-40695202-G-C.
Other names: short protein forms R393P.
Identifiers: ClinVar variation 2103608 (VCV002103608.4), dbSNP rs753409259, ClinGen allele CA399601319.